The following is an entry in ClinVar:

NM_020070.4(IGLL1):c.322+4A>G

Gene: IGLL1 (immunoglobulin lambda like polypeptide 1; minus strand). Cytogenetic location: 22q11.23.
Variant type: single nucleotide variant.
Coding change: c.322+4A>G on transcript NM_020070.4 (MANE Select); 4 bases into the intron after coding-DNA position 322, A replaced by G.
Molecular consequence: intron variant.
Genome position (GRCh38, 1-based): chr22:23,574,963, T>C on the plus strand (A>G on the coding strand, the complement: IGLL1 is on the minus strand). VCF-style: chr22-23574963-T-C. GRCh37 (hg19) VCF-style: chr22-23917150-T-C.
Other names: c.207-1378A>G (NM_152855.3); c.325+4A>G (NM_001369906.1).
Identifiers: ClinVar variation 1022099 (VCV001022099.6), dbSNP rs753787644, ClinGen allele CA1024477265.

ClinVar aggregate classification (germline): Uncertain significance (1 of 4 stars; one submission).

Conditions:
Agammaglobulinemia 2, autosomal recessive (AGM2). Also called: AGAMMAGLOBULINEMIA, AUTOSOMAL RECESSIVE, DUE TO IGLL1 DEFECT. Identifiers: MedGen C3150750, MONDO:0013287, OMIM 613500.

Submission:

Labcorp Genetics (formerly Invitae), Labcorp
Classification: Uncertain significance for Agammaglobulinemia 2, autosomal recessive. Last evaluated: 2023-01-25. Review status: criteria provided, single submitter. Criteria: Invitae Variant Classification Sherloc (09022015). Collection method: clinical testing. Allele origin: germline.
Comment: This sequence change falls in intron 2 of the IGLL1 gene. It does not directly change the encoded amino acid sequence of the IGLL1 protein. It affects a nucleotide within the consensus splice site. This variant is not present in population databases (gnomAD no frequency). This variant has not been reported in the literature in individuals affected with IGLL1-related conditions. ClinVar contains an entry for this variant (Variation ID: 1022099). Variants that disrupt the consensus splice site are a relatively common cause of aberrant splicing (PMID: 17576681, 9536098). Algorithms developed to predict the effect of sequence changes on RNA splicing suggest that this variant may disrupt the consensus splice site. In summary, the available evidence is currently insufficient to determine the role of this variant in disease. Therefore, it has been classified as a Variant of Uncertain Significance.

Literature cited by the submitters: PubMed 17576681; PubMed 9536098.